The following is an entry in ClinVar:

ClinVar aggregate classification (germline): Uncertain significance (1 of 4 stars; one submission).

Allele frequency attached by ClinVar (database versions not stated): gnomAD exomes 0.00004; ExAC 0.00006; gnomAD 0.00007 and 0.00009; ESP Exome Variant Server 0.00008; TOPMed 0.00010.
gnomAD v4.1: 21 of 1,603,512 alleles (0.0013%); highest among the groups gnomAD compares: African/African-American, 0.024%; no homozygotes.

Submission:

Labcorp Genetics (formerly Invitae), Labcorp
Classification: Uncertain significance. Last evaluated: 2022-08-23. Review status: criteria provided, single submitter. Criteria: Invitae Variant Classification Sherloc (09022015). Collection method: clinical testing. Allele origin: germline.
Comment: This sequence change replaces glycine, which is neutral and non-polar, with alanine, which is neutral and non-polar, at codon 309 of the COL18A1 protein (p.Gly309Ala). This variant is present in population databases (rs372726135, gnomAD 0.05%). This variant has not been reported in the literature in individuals affected with COL18A1-related conditions. ClinVar contains an entry for this variant (Variation ID: 1382063). Experimental studies and prediction algorithms are not available or were not evaluated, and the functional significance of this variant is currently unknown. In summary, the available evidence is currently insufficient to determine the role of this variant in disease. Therefore, it has been classified as a Variant of Uncertain Significance.

NM_001379500.1(COL18A1):c.926G>C (p.Gly309Ala)

Gene: COL18A1 (collagen type XVIII alpha 1 chain; plus strand). Cytogenetic location: 21q22.3.
Variant type: single nucleotide variant.
Coding change: c.926G>C on transcript NM_001379500.1 (MANE Select); coding-DNA position 926, G replaced by C.
Protein change: p.Gly309Ala; replaces glycine 309 with alanine.
Molecular consequence: missense variant.
Genome position (GRCh38, 1-based): chr21:45,476,478, G>C. VCF-style: chr21-45476478-G-C. GRCh37 (hg19) VCF-style: chr21-46896392-G-C.
Other names: c.1466G>C, p.Gly489Ala (NM_030582.4); c.2171G>C, p.Gly724Ala (NM_130444.3); short protein forms G309A, G489A, G724A.
Identifiers: ClinVar variation 1382063 (VCV001382063.3), dbSNP rs372726135, ClinGen allele CA10065988.